The following is an entry in ClinVar:

ClinVar aggregate classification (germline): Uncertain significance (1 of 4 stars; one submission).

gnomAD v4.1: 5 of 1,596,974 alleles (0.00031%); highest among the groups gnomAD compares: South Asian, 0.0044%; 1 homozygote.

Submission:

GeneDx
Classification: Uncertain significance. Last evaluated: 2025-01-15. Review status: criteria provided, single submitter. Criteria: GeneDx Variant Classification Process June 2021. Collection method: clinical testing. Allele origin: germline. Affected: yes.
Comment: Not observed at significant frequency in large population cohorts (gnomAD); In silico analysis supports that this missense variant has a deleterious effect on protein structure/function; Has not been previously published as pathogenic or benign to our knowledge; This variant is associated with the following publications: (PMID: 19926015)

NM_001035.3(RYR2):c.10520A>G (p.Asp3507Gly)

Gene: RYR2 (ryanodine receptor 2; plus strand). Cytogenetic location: 1q43.
Variant type: single nucleotide variant.
Coding change: c.10520A>G on transcript NM_001035.3 (MANE Select); coding-DNA position 10520, A replaced by G.
Protein change: p.Asp3507Gly; replaces aspartic acid 3507 with glycine.
Molecular consequence: missense variant.
Genome position (GRCh38, 1-based): chr1:237,718,487, A>G. VCF-style: chr1-237718487-A-G. GRCh37 (hg19) VCF-style: chr1-237881787-A-G.
Other names: short protein forms D3507G.
Identifiers: ClinVar variation 4070611 (VCV004070611.1).
Genomic context (GRCh38, chr1:237,718,487, plus strand): 5'-AAGACTCCTTTTAGGTAACATATATTTCTTGACAGAAAGATACCGAGGATGAAGTACGAG[A>G]TATAATCCGCAGCAATATTCATTTACAAGGCAAGGTAAGCCAAATTTTATTCTTAAGCCA-3'
Protein context (NP_001026.2, residues 3497-3517): SLKDTEDEVR[Asp3507Gly]IIRSNIHLQG